The following is an entry in ClinVar:

NM_014363.6(SACS):c.8196_8199del (p.Asp2733fs)

Gene: SACS (sacsin molecular chaperone; minus strand). Cytogenetic location: 13q12.12.
Variant type: Deletion.
Coding change: c.8196_8199del on transcript NM_014363.6 (MANE Select); coding-DNA positions 8196 to 8199, 4 bases deleted (AGAT; older notation c.8196_8199delAGAT).
Protein change: p.Asp2733fs; shifts the reading frame from aspartic acid 2733.
Molecular consequence: frameshift variant.
Genome position (GRCh38, 1-based): chr13:23,335,677-23,335,680, ATCT deleted on the plus strand (AGAT on the coding strand, the reverse complement: SACS is on the minus strand). VCF-style (leftmost placement, unchanged base first): chr13-23335676-CATCT-C. GRCh37 (hg19) VCF-style: chr13-23909815-CATCT-C.
Other names: c.7755_7758del, p.Asp2586fs (NM_001278055.2); short protein forms D2733fs, D2586fs.
Identifiers: ClinVar variation 1453511 (VCV001453511.8), dbSNP rs2137594187, ClinGen allele CA2573149153.
Genomic context (GRCh38, chr13:23,335,676, plus strand): 5'-TATCTATTTCACAAATAGAAATTTTTTCCATGTGATTAAGAAACATTAGAAGTTCTGCCC[CATCT>C]GAGCGCAGTTTGTCCAAAAGATTCTGGACCATTCTGTCTGATGCTGGAACAGACGAAATT-3'

ClinVar aggregate classification (germline): Pathogenic (1 of 4 stars; one submission).

Conditions:
Spastic paraplegia. Identifiers: MedGen C0037772, HP:0001258.

Submission:

Labcorp Genetics (formerly Invitae), Labcorp
Classification: Pathogenic for Spastic paraplegia. Last evaluated: 2021-05-25. Review status: criteria provided, single submitter. Criteria: Invitae Variant Classification Sherloc (09022015). Collection method: clinical testing. Allele origin: germline.
Comment: This sequence change creates a premature translational stop signal (p.Asp2733Glyfs*5) in the SACS gene. While this is not anticipated to result in nonsense mediated decay, it is expected to disrupt the last 1847 amino acid(s) of the SACS protein. This variant is not present in population databases (ExAC no frequency). This variant has not been reported in the literature in individuals with SACS-related conditions. This variant disrupts the C-terminus of the SACS protein. Other variant(s) that disrupt this region (p.Tyr4538*) have been determined to be pathogenic (Invitae). This suggests that variants that disrupt this region of the protein are likely to be causative of disease. For these reasons, this variant has been classified as Pathogenic.